The following is an entry in ClinVar:

ClinVar aggregate classification (germline): Uncertain significance. Review status: criteria provided, multiple submitters, no conflicts (2 of 4 stars). 2 submissions from 2 submitters: Uncertain significance (2). Last evaluated 2025-10-14.

Conditions:
Tumor predisposition syndrome 3 (TPDS3). Also called: Melanoma, cutaneous malignant, susceptibility to, 10; Glioma susceptibility 9; LONG TELOMERE SYNDROME, POT1-RELATED; POT1 Tumor Predisposition. Identifiers: Orphanet 618, MedGen C4014476, MONDO:0014368, OMIM 615848.
Hereditary cancer-predisposing syndrome. Also called: Neoplastic Syndromes, Hereditary; Hereditary Cancer Syndrome; Tumor predisposition; Hereditary neoplastic syndrome. Identifiers: Orphanet 140162, MedGen C0027672, MeSH D009386, MONDO:0015356.

Allele frequency attached by ClinVar (database versions not stated): TOPMed below 0.00001; gnomAD 0.00001.

Submissions (2):

Labcorp Genetics (formerly Invitae), Labcorp
Classification: Uncertain significance for Tumor predisposition syndrome 3. Last evaluated: 2025-10-14. Review status: criteria provided, single submitter. Criteria: Invitae Variant Classification Sherloc (09022015). Collection method: clinical testing. Allele origin: germline.
Comment: This sequence change replaces glycine, which is neutral and non-polar, with aspartic acid, which is acidic and polar, at codon 186 of the POT1 protein (p.Gly186Asp). This variant is not present in population databases (gnomAD no frequency). This variant has not been reported in the literature in individuals affected with POT1-related conditions. ClinVar contains an entry for this variant (Variation ID: 645857). Invitae Evidence Modeling of protein sequence and biophysical properties (such as structural, functional, and spatial information, amino acid conservation, physicochemical variation, residue mobility, and thermodynamic stability) indicates that this missense variant is not expected to disrupt POT1 protein function with a negative predictive value of 80%. In summary, the available evidence is currently insufficient to determine the role of this variant in disease. Therefore, it has been classified as a Variant of Uncertain Significance.

Ambry Genetics
Classification: Uncertain significance for Hereditary cancer-predisposing syndrome. Last evaluated: 2024-04-17. Review status: criteria provided, single submitter. Criteria: Ambry Variant Classification Scheme 2023. Collection method: clinical testing. Allele origin: germline.
Comment: The p.G186D variant (also known as c.557G>A), located in coding exon 5 of the POT1 gene, results from a G to A substitution at nucleotide position 557. The glycine at codon 186 is replaced by aspartic acid, an amino acid with similar properties. This amino acid position is highly conserved in available vertebrate species. In addition, this alteration is predicted to be deleterious by in silico analysis. Since supporting evidence is limited at this time, the clinical significance of this alteration remains unclear.

NM_015450.3(POT1):c.557G>A (p.Gly186Asp)

Gene: POT1 (protection of telomeres 1; minus strand). Cytogenetic location: 7q31.33.
Variant type: single nucleotide variant.
Coding change: c.557G>A on transcript NM_015450.3 (MANE Select); coding-DNA position 557, G replaced by A.
Protein change: p.Gly186Asp; replaces glycine 186 with aspartic acid.
Molecular consequence: missense variant. On other transcripts: non-coding transcript variant (3).
Genome position (GRCh38, 1-based): chr7:124,859,102, C>T on the plus strand (G>A on the coding strand, the complement: POT1 is on the minus strand). VCF-style: chr7-124859102-C-T. GRCh37 (hg19) VCF-style: chr7-124499156-C-T.
Other names: c.164G>A, p.Gly55Asp (NM_001042594.2); short protein forms G186D, G55D.
Identifiers: ClinVar variation 645857 (VCV000645857.14), dbSNP rs1205880072, ClinGen allele CA369056811.